The following is an entry in ClinVar:

NM_000169.3(GLA):c.694A>G (p.Ile232Val)

Genes: GLA (galactosidase alpha; minus strand), RPL36A-HNRNPH2 (RPL36A-HNRNPH2 readthrough; plus strand). Cytogenetic location: Xq22.1.
Variant type: single nucleotide variant.
Coding change: c.694A>G on transcript NM_000169.3 (MANE Select); coding-DNA position 694, A replaced by G.
Protein change: p.Ile232Val; replaces isoleucine 232 with valine.
Molecular consequence: missense variant. On other transcripts: non-coding transcript variant (3), intron variant (2).
Genome position (GRCh38, 1-based): chrX:101,398,892, T>C on the plus strand (A>G on the coding strand, the complement: GLA is on the minus strand). VCF-style: chrX-101398892-T-C. GRCh37 (hg19) VCF-style: chrX-100653880-T-C.
Other names: c.817A>G, p.Ile273Val (NM_001406747.1); c.694A>G, p.Ile232Val (NM_001406748.1); c.300+3435T>C (NM_001199973.2); c.177+7070T>C (NM_001199974.2); short protein forms I232V, I273V.
Identifiers: ClinVar variation 2432133 (VCV002432133.5), dbSNP rs2520871330, ClinGen allele CA413924771.

ClinVar aggregate classification (germline): Uncertain significance. Review status: criteria provided, multiple submitters, no conflicts (2 of 4 stars). 2 submissions from 2 submitters: Uncertain significance (2). Last evaluated 2024-03-20.

Conditions:
Fabry disease. Also called: Fabry's disease; ALPHA-GALACTOSIDASE A DEFICIENCY; ANDERSON-FABRY DISEASE; CERAMIDE TRIHEXOSIDASE DEFICIENCY; GLA DEFICIENCY; HEREDITARY DYSTOPIC LIPIDOSIS. Identifiers: Orphanet 324, MedGen C0002986, MONDO:0010526, OMIM 301500, HP:0001071. Disease mechanism: Fabry disease is due to inactivating mutations in the X-linked GLA gene resulting in deficiency of the enzyme Alpha Galactosidase-A., loss of function.

Submissions (2):

Labcorp Genetics (formerly Invitae), Labcorp
Classification: Uncertain significance for Fabry disease. Last evaluated: 2024-03-20. Review status: criteria provided, single submitter. Criteria: Invitae Variant Classification Sherloc (09022015). Collection method: clinical testing. Allele origin: germline.
Comment: This sequence change replaces isoleucine, which is neutral and non-polar, with valine, which is neutral and non-polar, at codon 232 of the GLA protein (p.Ile232Val). This variant is not present in population databases (gnomAD no frequency). This variant has not been reported in the literature in individuals affected with GLA-related conditions. ClinVar contains an entry for this variant (Variation ID: 2432133). Advanced modeling of protein sequence and biophysical properties (such as structural, functional, and spatial information, amino acid conservation, physicochemical variation, residue mobility, and thermodynamic stability) performed at Invitae indicates that this missense variant is not expected to disrupt GLA protein function with a negative predictive value of 80%. This variant disrupts the p.Ile232 amino acid residue in GLA. Other variant(s) that disrupt this residue have been determined to be pathogenic (PMID: 22063097, 23935525, 28615118, 28798024). This suggests that this residue is clinically significant, and that variants that disrupt this residue are likely to be disease-causing. In summary, the available evidence is currently insufficient to determine the role of this variant in disease. Therefore, it has been classified as a Variant of Uncertain Significance.

Revvity Omics, Revvity
Classification: Uncertain significance. Last evaluated: 2022-09-29. Review status: criteria provided, single submitter. Criteria: ACMG Guidelines, 2015. Collection method: clinical testing. Allele origin: germline.

Literature cited by the submitters: PubMed 22063097 (cited by Labcorp Genetics (formerly Invitae), Labcorp); PubMed 23935525 (cited by Labcorp Genetics (formerly Invitae), Labcorp); PubMed 28615118 (cited by Labcorp Genetics (formerly Invitae), Labcorp); PubMed 28798024 (cited by Labcorp Genetics (formerly Invitae), Labcorp).